The following is an entry in ClinVar:

ClinVar aggregate classification (germline): Uncertain significance. Review status: criteria provided, multiple submitters, no conflicts (2 of 4 stars). 5 submissions from 5 submitters: Uncertain significance (4). 1 of the submissions does not count toward it. Last evaluated 2026-03-28.

Conditions:
Usher syndrome type 1B (USH1B). Also called: Usher syndrome type IB. Identifiers: MedGen C1848638, MONDO:0700087.
MYO7A-related disorder. Also called: MYO7A-related disorders.
Inborn genetic diseases. Identifiers: MedGen C0950123, MeSH D030342.

Allele frequency attached by ClinVar (database versions not stated): ExAC 0.00001; gnomAD exomes 0.00001; gnomAD 0.00003 and 0.00005; TOPMed 0.00003.
gnomAD v4.1: 13 of 1,612,474 alleles (0.00081%); highest among the groups gnomAD compares: African/African-American, 0.011%; no homozygotes.

Submissions (5):

PreventionGenetics, part of Exact Sciences
Classification: Uncertain significance for MYO7A-related condition. Last evaluated: 2026-03-28. Review status: criteria provided, single submitter. Criteria: ACMG Guidelines, 2015. Collection method: clinical testing. Allele origin: germline.
Comment: The MYO7A c.341A>G variant is predicted to result in the amino acid substitution p.Tyr114Cys. To our knowledge, this variant has not been reported in the literature. This variant is reported in 0.020% of alleles in individuals of African descent in gnomAD. At this time, the clinical significance of this variant is uncertain due to the absence of conclusive functional and genetic evidence.

Labcorp Genetics (formerly Invitae), Labcorp
Classification: Uncertain significance. Last evaluated: 2025-01-01. Review status: criteria provided, single submitter. Criteria: Invitae Variant Classification Sherloc (09022015). Collection method: clinical testing. Allele origin: germline.
Comment: This sequence change replaces tyrosine, which is neutral and polar, with cysteine, which is neutral and slightly polar, at codon 114 of the MYO7A protein (p.Tyr114Cys). This variant is present in population databases (rs782587841, gnomAD 0.02%). This variant has not been reported in the literature in individuals affected with MYO7A-related conditions. ClinVar contains an entry for this variant (Variation ID: 1002616). Invitae Evidence Modeling of protein sequence and biophysical properties (such as structural, functional, and spatial information, amino acid conservation, physicochemical variation, residue mobility, and thermodynamic stability) indicates that this missense variant is expected to disrupt MYO7A protein function with a positive predictive value of 95%. In summary, the available evidence is currently insufficient to determine the role of this variant in disease. Therefore, it has been classified as a Variant of Uncertain Significance.

Ambry Genetics
Classification: Uncertain significance for Inborn genetic diseases. Last evaluated: 2024-04-12. Review status: criteria provided, single submitter. Criteria: Ambry Variant Classification Scheme 2023. Collection method: clinical testing. Allele origin: germline.

GeneDx
Classification: Uncertain significance. Last evaluated: 2023-09-26. Review status: criteria provided, single submitter. Criteria: GeneDx Variant Classification Process June 2021. Collection method: clinical testing. Allele origin: germline.
Comment: In silico analysis supports that this missense variant has a deleterious effect on protein structure/function; Has not been previously published as pathogenic or benign to our knowledge

Natera, Inc.
Classification: Uncertain significance for Usher syndrome type 1B. Last evaluated: 2020-03-17. Review status: no assertion criteria provided. Collection method: clinical testing. Allele origin: germline. Not counted in ClinVar's aggregate classification.

NM_000260.4(MYO7A):c.341A>G (p.Tyr114Cys)

Gene: MYO7A (myosin VIIA; plus strand). Cytogenetic location: 11q13.5.
Variant type: single nucleotide variant.
Coding change: c.341A>G on transcript NM_000260.4 (MANE Select); coding-DNA position 341, A replaced by G.
Protein change: p.Tyr114Cys; replaces tyrosine 114 with cysteine.
Molecular consequence: missense variant.
Genome position (GRCh38, 1-based): chr11:77,155,962, A>G. VCF-style: chr11-77155962-A-G. GRCh37 (hg19) VCF-style: chr11-76867008-A-G.
Other names: c.341A>G (NM_000260.3); c.341A>G, p.Tyr114Cys (NM_001127180.2); c.308A>G, p.Tyr103Cys (NM_001369365.1); short protein forms Y103C, Y114C.
Identifiers: ClinVar variation 1002616 (VCV001002616.9), dbSNP rs782587841, ClinGen allele CA6197105.